The following is an entry in ClinVar:

NM_001267550.2(TTN):c.44816_44818CTC[1] (p.Pro14940del)

Gene: TTN (titin; minus strand). Cytogenetic location: 2q31.2.
Variant type: Microsatellite.
Coding change: c.44816_44818CTC[1] on transcript NM_001267550.2 (MANE Select).
Protein change: p.Pro14940del; deletes proline 14940.
Molecular consequence: inframe deletion.
Genome position: GRCh38 VCF-style: chr2-178622761-TGAG-T. GRCh37 (hg19) VCF-style: chr2-179487488-TGAG-T.
Other names: c.39893_39895CTC[1], p.Pro13299del (NM_001256850.1); c.17621_17623CTC[1], p.Pro5875del (NM_003319.4); c.37112_37114CTC[1], p.Pro12372del (NM_133378.4); c.17996_17998CTC[1], p.Pro6000del (NM_133432.3); c.18197_18199CTC[1], p.Pro6067del (NM_133437.4); c.17624_17626delCTC (NM_003319.4); short protein forms P14940del, P6000del, P6067del, P5875del, P12372del, P13299del.
Identifiers: ClinVar variation 2566360 (VCV002566360.2), dbSNP rs1433675030, ClinGen allele CA538090343.

ClinVar aggregate classification (germline): Uncertain significance (1 of 4 stars; one submission).

Conditions:
Cardiovascular phenotype. Identifiers: MedGen CN230736.

Submission:

Ambry Genetics
Classification: Uncertain significance for Cardiovascular phenotype. Last evaluated: 2023-04-03. Review status: criteria provided, single submitter. Criteria: Ambry Variant Classification Scheme 2023. Collection method: clinical testing. Allele origin: germline.
Comment: The c.17624_17626delCTC variant (also known as p.P5875del) is located in coding exon 70 of the TTN gene. This variant results from an in-frame CTC deletion at nucleotide positions 17624 to 17626. This results in the in-frame deletion of a proline at codon 5875. This amino acid position is highly conserved in available vertebrate species. In addition, this alteration is predicted to be deleterious by in silico analysis (Choi Y et al. PLoS ONE. 2012; 7(10):e46688). Since supporting evidence is limited at this time, the clinical significance of this alteration remains unclear.